The following is an entry in ClinVar:

NM_032888.4(COL27A1):c.3236C>T (p.Ser1079Phe)

Gene: COL27A1 (collagen type XXVII alpha 1 chain; plus strand). Cytogenetic location: 9q32.
Variant type: single nucleotide variant.
Coding change: c.3236C>T on transcript NM_032888.4 (MANE Select); coding-DNA position 3236, C replaced by T.
Protein change: p.Ser1079Phe; replaces serine 1079 with phenylalanine.
Molecular consequence: missense variant.
Genome position (GRCh38, 1-based): chr9:114,264,395, C>T. VCF-style: chr9-114264395-C-T. GRCh37 (hg19) VCF-style: chr9-117026675-C-T.
Other names: c.3236C>T (NM_032888.2); short protein forms S1079F.
Identifiers: ClinVar variation 3388075 (VCV003388075.15).

ClinVar aggregate classification (germline): Uncertain significance. Review status: criteria provided, multiple submitters, no conflicts (2 of 4 stars). 2 submissions from 2 submitters: Uncertain significance (2). Last evaluated 2024-11-01.

Conditions:
Inborn genetic diseases. Identifiers: MedGen C0950123, MeSH D030342.

gnomAD v4.1: 4 of 1,592,570 alleles (0.00025%); highest among the groups gnomAD compares: Middle Eastern, 0.033%; no homozygotes.

Submissions (2):

CeGaT Center for Human Genetics Tuebingen
Classification: Uncertain significance. Last evaluated: 2024-11-01. Review status: criteria provided, single submitter. Criteria: CeGaT Center For Human Genetics Tuebingen Variant Classification Criteria Version 2. Collection method: clinical testing. Allele origin: germline. Affected: yes. Observed: 1 variant allele.
Comment: COL27A1: PM2

Ambry Genetics
Classification: Uncertain significance for Inborn genetic diseases. Last evaluated: 2024-10-04. Review status: criteria provided, single submitter. Criteria: Ambry Variant Classification Scheme 2023. Collection method: clinical testing. Allele origin: germline.